The following is an entry in ClinVar:

NC_000016.9:g.(?_89805009)_(89806517_?)del

Genes: ZNF276 (zinc finger protein 276; plus strand), FANCA (FA complementation group A; minus strand). Cytogenetic location: 16q24.3.
Variant type: Deletion.
Identifiers: ClinVar variation 1440483 (VCV001440483.5).

ClinVar aggregate classification (germline): Pathogenic (1 of 4 stars; one submission).

Conditions:
Fanconi anemia (FA). Also called: Fanconi's anemia. Identifiers: Orphanet 84, MedGen C0015625, MeSH D005199, MONDO:0019391.

Submission:

Labcorp Genetics (formerly Invitae), Labcorp
Classification: Pathogenic for Fanconi anemia. Last evaluated: 2021-10-14. Review status: criteria provided, single submitter. Criteria: Invitae Variant Classification Sherloc (09022015). Collection method: clinical testing. Allele origin: germline.
Comment: This variant is a gross deletion of the genomic region encompassing exon(s) 39-43 of the FANCA gene, which includes the termination codon. This deletion extends beyond the assayed region for this gene and therefore may encompass additional genes. While this deletion is not anticipated to lead to nonsense mediated decay, it is expected to alter mRNA translation or result in a truncated protein product. This variant has not been reported in the literature in individuals affected with FANCA-related conditions. This variant disrupts a region of the FANCA protein in which other variant(s) (p.Asp1427Thrfs*6) have been determined to be pathogenic (PMID: 11091222, 29098742). This suggests that this is a clinically significant region of the protein, and that variants that disrupt it are likely to be disease-causing. For these reasons, this variant has been classified as Pathogenic.

Literature cited by the submitters: PubMed 11091222; PubMed 29098742.